The following is an entry in ClinVar:

ClinVar aggregate classification (germline): Uncertain significance. Review status: criteria provided, multiple submitters, no conflicts (2 of 4 stars). 3 submissions from 3 submitters: Uncertain significance (3). Last evaluated 2022-11-01.

Allele frequency attached by ClinVar (database versions not stated): gnomAD 0.00001; ExAC 0.00003.
gnomAD v4.1: 25 of 1,613,974 alleles (0.0015%); highest among the groups gnomAD compares: Middle Eastern, 0.017%; no homozygotes.

Submissions (3):

GeneDx
Classification: Uncertain significance. Last evaluated: 2022-11-01. Review status: criteria provided, single submitter. Criteria: GeneDx Variant Classification Process June 2021. Collection method: clinical testing. Allele origin: germline. Affected: yes.
Comment: Listed as an other variant identified in a cohort of MODY patients and not considered causative; patient clinical information not provided (Canpolat et al., 2022); In silico analysis supports that this missense variant has a deleterious effect on protein structure/function; This variant is associated with the following publications: (PMID: Canpolat2022[article])

Labcorp Genetics (formerly Invitae), Labcorp
Classification: Uncertain significance. Last evaluated: 2022-08-03. Review status: criteria provided, single submitter. Criteria: Invitae Variant Classification Sherloc (09022015). Collection method: clinical testing. Allele origin: germline.
Comment: This variant has not been reported in the literature in individuals affected with PAX4-related conditions. In summary, the available evidence is currently insufficient to determine the role of this variant in disease. Therefore, it has been classified as a Variant of Uncertain Significance. Algorithms developed to predict the effect of missense changes on protein structure and function are either unavailable or do not agree on the potential impact of this missense change (SIFT: "Deleterious"; PolyPhen-2: "Probably Damaging"; Align-GVGD: "Class C0"). This variant is present in population databases (rs776151854, gnomAD 0.02%). This sequence change replaces arginine, which is basic and polar, with glutamine, which is neutral and polar, at codon 166 of the PAX4 protein (p.Arg166Gln).

Ambry Genetics
Classification: Uncertain significance. Last evaluated: 2021-08-02. Review status: criteria provided, single submitter. Criteria: Ambry Variant Classification Scheme 2023. Collection method: clinical testing. Allele origin: germline.

NM_001366110.1(PAX4):c.521G>A (p.Arg174Gln)

Gene: PAX4 (paired box 4; minus strand). Cytogenetic location: 7q32.1.
Variant type: single nucleotide variant.
Coding change: c.521G>A on transcript NM_001366110.1 (MANE Select); coding-DNA position 521, G replaced by A.
Protein change: p.Arg174Gln; replaces arginine 174 with glutamine.
Molecular consequence: missense variant.
Genome position (GRCh38, 1-based): chr7:127,613,797, C>T on the plus strand (G>A on the coding strand, the complement: PAX4 is on the minus strand). VCF-style: chr7-127613797-C-T. GRCh37 (hg19) VCF-style: chr7-127253851-C-T.
Other names: NM_006193.2:c.497G>A; c.521G>A, p.Arg174Gln (NM_001366111.1); short protein forms R174Q.
Identifiers: ClinVar variation 1903705 (VCV001903705.7), dbSNP rs776151854, ClinGen allele CA4468056.